The following is an entry in ClinVar:

NM_007294.4(BRCA1):c.4107A>G (p.Ala1369=)

Gene: BRCA1 (BRCA1 DNA repair associated; minus strand). Cytogenetic location: 17q21.31.
Variant type: single nucleotide variant.
Coding change: c.4107A>G on transcript NM_007294.4 (MANE Select); coding-DNA position 4107, A replaced by G.
Protein change: p.Ala1369=; no amino-acid change (alanine 1369 retained).
Molecular consequence: synonymous variant.
Genome position (GRCh38, 1-based): chr17:43,091,022, T>C on the plus strand (A>G on the coding strand, the complement: BRCA1 is on the minus strand). VCF-style: chr17-43091022-T-C. GRCh37 (hg19) VCF-style: chr17-41243039-T-C.
Other names: c.3894A>G, p.Ala1298= (NM_001407571.1, NM_001407853.1, NM_001407894.1 and 9 more transcripts); c.4107A>G, p.Ala1369= (NM_001407581.1, NM_001407582.1, NM_001407583.1 and 30 more transcripts); c.4104A>G, p.Ala1368= (NM_001407587.1, NM_001407590.1, NM_001407591.1 and 22 more transcripts); c.4098A>G, p.Ala1366= (NM_001407646.1, NM_001407647.1); c.3984A>G, p.Ala1328= (NM_001407648.1, NM_001407664.1, NM_001407665.1 and 19 more transcripts); c.3981A>G, p.Ala1327= (NM_001407649.1, NM_001407670.1, NM_001407671.1 and 11 more transcripts); c.4029A>G, p.Ala1343= (NM_001407653.1, NM_001407654.1, NM_001407655.1 and 4 more transcripts); c.4026A>G, p.Ala1342= (NM_001407659.1, NM_001407660.1, NM_001407661.1 and 1 more transcripts); and 41 more.
Identifiers: ClinVar variation 480972 (VCV000480972.19), dbSNP rs1555586263, ClinGen allele CA500123185.

ClinVar aggregate classification (germline): Likely benign. Review status: criteria provided, multiple submitters, no conflicts (2 of 4 stars). 3 submissions from 3 submitters: Likely benign (3). Last evaluated 2026-01-01.

Conditions:
Hereditary breast ovarian cancer syndrome. Also called: Hereditary breast and ovarian cancer; Breast and ovarian cancer; BRCA1- and BRCA2-Associated Hereditary Breast and Ovarian Cancer; Hereditary breast and/or ovarian cancer syndrome; Hereditary breast and ovarian cancer syndrome (HBOC); Hereditary breast and ovarian cancer syndrome. Identifiers: Orphanet 145, MedGen C0677776, MeSH D061325, MONDO:0003582. Disease mechanism: loss of function.
Hereditary cancer-predisposing syndrome. Also called: Hereditary neoplastic syndrome; Tumor predisposition; Neoplastic Syndromes, Hereditary; Hereditary Cancer Syndrome. Identifiers: Orphanet 140162, MedGen C0027672, MeSH D009386, MONDO:0015356.

Submissions (3):

CeGaT Center for Human Genetics Tuebingen
Classification: Likely benign. Last evaluated: 2026-01-01. Review status: criteria provided, single submitter. Criteria: CeGaT Center For Human Genetics Tuebingen Variant Classification Criteria Version 2. Collection method: clinical testing. Allele origin: germline. Affected: yes. Observed: 1 variant allele.
Comment: BRCA1: PM2:Supporting, BP4, BP7

Labcorp Genetics (formerly Invitae), Labcorp
Classification: Likely benign for Hereditary breast ovarian cancer syndrome. Last evaluated: 2025-07-18. Review status: criteria provided, single submitter. Criteria: Invitae Variant Classification Sherloc (09022015). Collection method: clinical testing. Allele origin: germline.

Ambry Genetics
Classification: Likely benign for Hereditary cancer-predisposing syndrome. Last evaluated: 2016-03-16. Review status: criteria provided, single submitter. Criteria: Ambry Variant Classification Scheme 2023. Collection method: clinical testing. Allele origin: germline.